The following is an entry in ClinVar:

ClinVar aggregate classification (germline): Uncertain significance (1 of 4 stars; one submission).

Conditions:
GM3 synthase deficiency (SPDRS). Also called: SALT AND PEPPER DEVELOPMENTAL REGRESSION SYNDROME; SALT AND PEPPER MENTAL RETARDATION SYNDROME; AMISH INFANTILE EPILEPSY SYNDROME. Identifiers: Orphanet 171714, Orphanet 370933, MedGen C1836824, MONDO:0018274, OMIM 609056.

Submission:

Labcorp Genetics (formerly Invitae), Labcorp
Classification: Uncertain significance for GM3 synthase deficiency. Last evaluated: 2021-01-31. Review status: criteria provided, single submitter. Criteria: Invitae Variant Classification Sherloc (09022015). Collection method: clinical testing. Allele origin: germline.
Comment: In summary, the available evidence is currently insufficient to determine the role of this variant in disease. Therefore, it has been classified as a Variant of Uncertain Significance. Algorithms developed to predict the effect of missense changes on protein structure and function (SIFT, PolyPhen-2, Align-GVGD) all suggest that this variant is likely to be tolerated, but these predictions have not been confirmed by published functional studies and their clinical significance is uncertain. This variant has not been reported in the literature in individuals with ST3GAL5-related conditions. This variant is not present in population databases (ExAC no frequency). This sequence change replaces phenylalanine with leucine at codon 124 of the ST3GAL5 protein (p.Phe124Leu). The phenylalanine residue is moderately conserved and there is a small physicochemical difference between phenylalanine and leucine.

NM_003896.4(ST3GAL5):c.372T>A (p.Phe124Leu)

Gene: ST3GAL5 (ST3 beta-galactoside alpha-2,3-sialyltransferase 5; minus strand). Cytogenetic location: 2p11.2.
Variant type: single nucleotide variant.
Coding change: c.372T>A on transcript NM_003896.4 (MANE Select); coding-DNA position 372, T replaced by A.
Protein change: p.Phe124Leu; replaces phenylalanine 124 with leucine.
Molecular consequence: missense variant. On other transcripts: 5 prime UTR variant (7).
Genome position (GRCh38, 1-based): chr2:85,848,151, A>T on the plus strand (T>A on the coding strand, the complement: ST3GAL5 is on the minus strand). VCF-style: chr2-85848151-A-T. GRCh37 (hg19) VCF-style: chr2-86075274-A-T.
Other names: c.303T>A, p.Phe101Leu (NM_001042437.2); c.-13T>A (NM_001354223.2, NM_001354224.2, NM_001354226.2 and 3 more transcripts); c.288T>A, p.Phe96Leu (NM_001354227.2, NM_001354229.2, NM_001354238.1); c.-533T>A (NM_001354247.1); c.372T>A, p.Phe124Leu (NM_001363847.1); short protein forms F96L, F101L, F124L.
Identifiers: ClinVar variation 1506096 (VCV001506096.8), dbSNP rs2103960645, ClinGen allele CA347532857.